The following is an entry in ClinVar:

NM_004100.5(EYA4):c.970+16C>G

Gene: EYA4 (EYA transcriptional coactivator and phosphatase 4; plus strand). Cytogenetic location: 6q23.2.
Variant type: single nucleotide variant.
Coding change: c.970+16C>G on transcript NM_004100.5 (MANE Select); 16 bases into the intron after coding-DNA position 970, C replaced by G.
Molecular consequence: intron variant. On other transcripts: missense variant (2).
Genome position (GRCh38, 1-based): chr6:133,468,747, C>G. VCF-style: chr6-133468747-C-G. GRCh37 (hg19) VCF-style: chr6-133789885-C-G.
Other names: c.986C>G, p.Pro329Arg (NM_001301013.2); c.824C>G, p.Pro275Arg (NM_001370459.1); c.970+16C>G (NM_172105.4); c.901+16C>G (NM_001370458.1, NM_172103.4); c.808+16C>G (NM_001301012.2); short protein forms P329R, P275R.
Identifiers: ClinVar variation 191662 (VCV000191662.25), dbSNP rs201985955, ClinGen allele CA237188.
Genomic context (GRCh38, chr6:133,468,747, plus strand): 5'-CTTATCAGTTGCAGGAATCTCTCCCAGGACTGACTAACCAACCAGGTACAGATCTTCACC[C>G]AGGTGAAATACTTTTATATGTTTTGCAATATCTAATAAAACGGAGAAAGTGGACATTCCA-3'

ClinVar aggregate classification (germline): Conflicting classifications of pathogenicity. Review status: criteria provided, conflicting classifications (1 of 4 stars). 5 submissions from 5 submitters: Uncertain significance (1); Benign (2); Likely benign (2). Last evaluated 2026-02-03.

Conditions:
Dilated cardiomyopathy 1J (CMD1J). Also called: CARDIOMYOPATHY, DILATED, WITH SENSORINEURAL HEARING LOSS, AUTOSOMAL DOMINANT. Identifiers: Orphanet 217622, MedGen C1854368, MONDO:0011541, OMIM 605362.

Allele frequency attached by ClinVar (database versions not stated): TOPMed 0.00032; gnomAD 0.00033; ExAC 0.00041; ESP Exome Variant Server 0.00046; gnomAD exomes 0.00052.
gnomAD v4.1: 456 of 1,611,660 alleles (0.028%); highest among the groups gnomAD compares: Admixed American, 0.015%; 1 homozygote.

Submissions (5):

Labcorp Genetics (formerly Invitae), Labcorp
Classification: Benign for Dilated cardiomyopathy 1J. Last evaluated: 2026-02-03. Review status: criteria provided, single submitter. Criteria: Invitae Variant Classification Sherloc (09022015). Collection method: clinical testing. Allele origin: germline.

Women's Health and Genetics/Laboratory Corporation of America, LabCorp
Classification: Benign. Last evaluated: 2025-09-15. Review status: criteria provided, single submitter. Criteria: LabCorp Variant Classification Summary - May 2015. Collection method: clinical testing. Allele origin: germline.
Comment: Variant summary: EYA4 c.970+16C>G alters a conserved nucleotide located at a position not widely known to affect splicing. Consensus agreement among computation tools predict no significant impact on normal splicing. However, these predictions have yet to be confirmed by functional studies. The variant allele was found at a frequency of 0.00052 in 250264 control chromosomes. The observed variant frequency exceeds the estimated maximal expected allele frequency for disease-causing variants in EYA4. To our knowledge, no occurrence of c.970+16C>G in individuals affected with EYA4-related conditions and no experimental evidence demonstrating its impact on protein function have been reported. ClinVar contains an entry for this variant (Variation ID: 191662). Based on the evidence outlined above, the variant was classified as benign.

CeGaT Center for Human Genetics Tuebingen
Classification: Likely benign. Last evaluated: 2024-08-01. Review status: criteria provided, single submitter. Criteria: CeGaT Center For Human Genetics Tuebingen Variant Classification Criteria Version 2. Collection method: clinical testing. Allele origin: germline. Affected: yes. Observed: 1 variant allele.
Comment: EYA4: BP4

Blueprint Genetics
Classification: Likely benign. Last evaluated: 2023-12-29. Review status: criteria provided, single submitter. Criteria: ACMG Guidelines, 2015. Collection method: clinical testing. Allele origin: germline.

Biesecker Lab/Clinical Genomics Section, National Institutes of Health
Classification: Uncertain significance. Last evaluated: 2013-06-24. Review status: criteria provided, single submitter. Criteria: Ng et al. (Circ Cardiovasc Genet. 2013). Collection method: research. Allele origin: unknown. Observed: 1 variant allele. Study: ClinSeq.
Comment: The study set was not selected for affection status in relation to any cancer. Pathogenicity categories were based on literature curation. See Pubmed ID:23861362 for details.

Medical sequencing